The following is an entry in ClinVar:

NM_015294.6(TRIM37):c.1622C>T (p.Thr541Ile)

Gene: TRIM37 (tripartite motif containing 37; minus strand). Cytogenetic location: 17q22.
Variant type: single nucleotide variant.
Coding change: c.1622C>T on transcript NM_015294.6 (MANE Select); coding-DNA position 1622, C replaced by T.
Protein change: p.Thr541Ile; replaces threonine 541 with isoleucine.
Molecular consequence: missense variant. On other transcripts: non-coding transcript variant (2).
Genome position (GRCh38, 1-based): chr17:59,047,728, G>A on the plus strand (C>T on the coding strand, the complement: TRIM37 is on the minus strand). VCF-style: chr17-59047728-G-A. GRCh37 (hg19) VCF-style: chr17-57125089-G-A.
Other names: c.1622C>T, p.Thr541Ile (NM_001005207.5, NM_001320988.3, NM_001320989.3 and 1 more transcripts); c.1520C>T, p.Thr507Ile (NM_001320987.3, NM_001353082.2); c.1256C>T, p.Thr419Ile (NM_001320990.3); c.887C>T, p.Thr296Ile (NM_001353083.2); c.1160C>T, p.Thr387Ile (NM_001353085.2); c.1571C>T, p.Thr524Ile (NM_001353086.2); short protein forms T419I, T507I, T296I, T387I, T524I, T541I.
Identifiers: ClinVar variation 4987273 (VCV004987273.1).

ClinVar aggregate classification (germline): Uncertain significance (1 of 4 stars; one submission).

Conditions:
TRIM37-related disorder. Also called: TRIM37-related condition.

gnomAD v4.1: 1 of 1,613,856 alleles (0.000062%); highest among the groups gnomAD compares: Admixed American, 0.0017%; no homozygotes.

Submission:

PreventionGenetics, part of Exact Sciences
Classification: Uncertain significance for TRIM37-related condition. Last evaluated: 2026-08-07. Review status: criteria provided, single submitter. Criteria: ACMG Guidelines, 2015. Collection method: clinical testing. Allele origin: germline.
Comment: The TRIM37 c.1622C>T variant is predicted to result in the amino acid substitution p.Thr541Ile. To our knowledge, this variant has not been reported in the literature or in a large population database (gnomAD), indicating this variant is rare. At this time, the clinical significance of this variant is uncertain due to the absence of conclusive functional and genetic evidence.